The following is an entry in ClinVar:

NM_003072.5(SMARCA4):c.3358G>A (p.Gly1120Ser)

Gene: SMARCA4 (SWI/SNF related BAF chromatin remodeling complex subunit ATPase 4; plus strand). Cytogenetic location: 19p13.2.
Variant type: single nucleotide variant.
Coding change: c.3358G>A on transcript NM_003072.5 (MANE Select); coding-DNA position 3358, G replaced by A.
Protein change: p.Gly1120Ser; replaces glycine 1120 with serine.
Molecular consequence: missense variant. On other transcripts: non-coding transcript variant (1).
Genome position (GRCh38, 1-based): chr19:11,027,926, G>A. VCF-style: chr19-11027926-G-A. GRCh37 (hg19) VCF-style: chr19-11138602-G-A.
Other names: c.3358G>A, p.Gly1120Ser (NM_001128844.3, NM_001128845.2, NM_001128846.2 and 5 more transcripts); short protein forms G1120S.
Identifiers: ClinVar variation 408613 (VCV000408613.18), dbSNP rs373590049, ClinGen allele CA9204392.

ClinVar aggregate classification (germline): Conflicting classifications of pathogenicity. Review status: criteria provided, conflicting classifications (1 of 4 stars). 5 submissions from 5 submitters: Uncertain significance (3); Likely benign (2). Last evaluated 2026-04-07.

Conditions:
SMARCA4-related disorder. Also called: SMARCA4-related condition.
Hereditary cancer-predisposing syndrome. Also called: Neoplastic Syndromes, Hereditary; Tumor predisposition; Hereditary Cancer Syndrome; Hereditary neoplastic syndrome. Identifiers: Orphanet 140162, MedGen C0027672, MeSH D009386, MONDO:0015356.
Intellectual disability, autosomal dominant 16 (CSS4). Also called: COFFIN-SIRIS SYNDROME 4. Identifiers: Orphanet 1465, MedGen C3553249, MONDO:0013821, OMIM 614609.
Rhabdoid tumor predisposition syndrome 2 (RTPS2). Identifiers: Orphanet 231108, Orphanet 69077, MedGen C2750074, MONDO:0013224, OMIM 613325.

Allele frequency attached by ClinVar (database versions not stated): gnomAD exomes below 0.00001 and 0.00003; ExAC 0.00001; gnomAD 0.00003 and 0.00004; TOPMed 0.00003; ESP Exome Variant Server 0.00008.
gnomAD v4.1: 42 of 1,614,026 alleles (0.0026%); highest among the groups gnomAD compares: East Asian, 0.0045%; no homozygotes.

Submissions (5):

PreventionGenetics, part of Exact Sciences
Classification: Uncertain significance for SMARCA4-related condition. Last evaluated: 2026-04-07. Review status: criteria provided, single submitter. Criteria: ACMG Guidelines, 2015. Collection method: clinical testing. Allele origin: germline.
Comment: The SMARCA4 c.3358G>A variant is predicted to result in the amino acid substitution p.Gly1120Ser. To our knowledge, this variant has not been reported in the literature. This variant is reported in 0.0040% of alleles in individuals of African descent in gnomAD. At this time, the clinical significance of this variant is uncertain due to the absence of conclusive functional and genetic evidence.

Labcorp Genetics (formerly Invitae), Labcorp
Classification: Uncertain significance for Rhabdoid tumor predisposition syndrome 2. Last evaluated: 2025-10-16. Review status: criteria provided, single submitter. Criteria: Invitae Variant Classification Sherloc (09022015). Collection method: clinical testing. Allele origin: germline.
Comment: This sequence change replaces glycine, which is neutral and non-polar, with serine, which is neutral and polar, at codon 1120 of the SMARCA4 protein (p.Gly1120Ser). This variant is present in population databases (rs373590049, gnomAD 0.004%). This missense change has been observed in individual(s) with SMARCA4-related conditions (PMID: 37500730). ClinVar contains an entry for this variant (Variation ID: 408613). Invitae Evidence Modeling of protein sequence and biophysical properties (such as structural, functional, and spatial information, amino acid conservation, physicochemical variation, residue mobility, and thermodynamic stability) indicates that this missense variant is not expected to disrupt SMARCA4 protein function with a negative predictive value of 95%. RNA analysis performed to evaluate the impact of this missense change on mRNA splicing indicates it does not significantly alter splicing (internal data). In summary, the available evidence is currently insufficient to determine the role of this variant in disease. Therefore, it has been classified as a Variant of Uncertain Significance.

Baylor Genetics
Classification: Uncertain significance for Rhabdoid tumor predisposition syndrome 2. Last evaluated: 2023-10-22. Review status: criteria provided, single submitter. Criteria: ACMG Guidelines, 2015. Collection method: clinical testing. Allele origin: unknown.

Genome-Nilou Lab
Classification: Likely benign for Intellectual disability, autosomal dominant 16. Last evaluated: 2021-07-15. Review status: criteria provided, single submitter. Criteria: ACMG Guidelines, 2015. Collection method: clinical testing. Allele origin: germline. Affected: no.

Ambry Genetics
Classification: Likely benign for Hereditary cancer-predisposing syndrome. Last evaluated: 2020-06-18. Review status: criteria provided, single submitter. Criteria: Ambry Variant Classification Scheme 2023. Collection method: clinical testing. Allele origin: germline.

Literature cited by the submitters: PubMed 37500730 (cited by Labcorp Genetics (formerly Invitae), Labcorp).